The following is an entry in ClinVar:

NM_032638.5(GATA2):c.1017+513_1017+540del

Gene: GATA2 (GATA binding protein 2; minus strand). Cytogenetic location: 3q21.3.
Variant type: Deletion.
Coding change: c.1017+513_1017+540del on transcript NM_032638.5 (MANE Select); bases 513 to 540 of the intron after coding-DNA position 1017, 28 bases deleted (GGAGTTTCCTATCCGGACATCTGCAGCC).
Molecular consequence: intron variant.
Genome position (GRCh38, 1-based): chr3:128,483,320-128,483,347, GGCTGCAGATGTCCGGATAGGAAACTCC deleted on the plus strand (GGAGTTTCCTATCCGGACATCTGCAGCC on the coding strand, the reverse complement: GATA2 is on the minus strand); deleting any 28 consecutive bases within chr3:128,483,320-128,483,350 gives the same sequence; the c. name uses the placement nearest the transcript's 3' end. VCF-style (leftmost placement, unchanged base first): chr3-128483319-AGGCTGCAGATGTCCGGATAGGAAACTCC-A. GRCh37 (hg19) VCF-style: chr3-128202162-AGGCTGCAGATGTCCGGATAGGAAACTCC-A.
Other names: c.1017+513_1017+540del (NM_001145662.1, NM_001145661.2).
Identifiers: ClinVar variation 39587 (VCV000039587.2), dbSNP rs1553770655, ClinGen allele CA130385.
Genomic context (GRCh38, chr3:128,483,319, plus strand): 5'-TGAGGAGACTCTAAAAACTCGCAGAGTCCGGAAACAGATACACGAAGTTTCCTTATCTTC[AGGCTGCAGATGTCCGGATAGGAAACTCC>A]GGCAGGAGATCCGAAAGGGCATTTTTTTAAAATCACTCAAATGAAAATACACAGTATAGG-3'

ClinVar aggregate classification (germline): Likely pathogenic. Review status: criteria provided, single submitter (1 of 4 stars). 2 submissions from 2 submitters: Likely pathogenic (1). 1 of the submissions does not count toward it. Last evaluated 2021-07-06.

Conditions:
Deafness-lymphedema-leukemia syndrome. Also called: Emberger syndrome; Lymphedema, primary, with myelodysplasia. Identifiers: Orphanet 3226, MedGen C3279664, MONDO:0013540, OMIM 614038.
GATA2 deficiency with susceptibility to MDS/AML. Identifiers: MedGen CN300066, MONDO:0042982.
Monocytopenia with susceptibility to infections. Also called: GATA2 DEFICIENCY; MONOCYTOPENIA AND MYCOBACTERIAL INFECTION SYNDROME; MONOCYTOPENIA WITH SUSCEPTIBILITY TO MYCOBACTERIAL, FUNGAL, AND PAPILLOMAVIRUS INFECTIONS AND MYELODYSPLASIA; COMBINED IMMUNODEFICIENCY WITH SUSCEPTIBILITY TO MYCOBACTERIAL, VIRAL, AND FUNGAL INFECTIONS; IMMUNODEFICIENCY 21; Dendritic cell, monocyte, B lymphocyte, and natural killer lymphocyte deficiency. Identifiers: Orphanet 228423, MedGen C3280030, MONDO:0013607, OMIM 614172.

Submissions (2):

Molecular Pathology Research Laboratory, SA Pathology
Classification: Likely pathogenic for GATA2 deficiency with susceptibility to MDS/AML; Deafness-lymphedema-leukemia syndrome. Last evaluated: 2021-07-06. Review status: criteria provided, single submitter. Criteria: ACMG Guidelines, 2015. Collection method: curation. Allele origin: germline. Inheritance: Autosomal dominant inheritance. Affected: yes. Observed: 2 variant alleles.
Comment: PS3_Supporting, PS4_Moderate, PM1, PM2

OMIM
Classification: Pathogenic for IMMUNODEFICIENCY 21. Last evaluated: 2012-10-01. Review status: no assertion criteria provided. Collection method: literature only. Allele origin: germline. Not counted in ClinVar's aggregate classification.

Literature cited by the submitters: PubMed 24227816 (cited by Molecular Pathology Research Laboratory, SA Pathology); PubMed 23502222 (cited by Molecular Pathology Research Laboratory, SA Pathology); PubMed 20040766 (cited by Molecular Pathology Research Laboratory, SA Pathology); PubMed 453969 (cited by Molecular Pathology Research Laboratory, SA Pathology); PubMed 23365458 (cited by Molecular Pathology Research Laboratory, SA Pathology); PubMed 22996659 (cited by Molecular Pathology Research Laboratory, SA Pathology and OMIM); PubMed 24077845 (cited by Molecular Pathology Research Laboratory, SA Pathology).